The following is an entry in ClinVar:

ClinVar aggregate classification (germline): Pathogenic (1 of 4 stars; one submission).

Conditions:
Tuberous sclerosis 2 (TSC2). Identifiers: Orphanet 805, MedGen C1860707, MONDO:0013199, OMIM 613254.

Submission:

Labcorp Genetics (formerly Invitae), Labcorp
Classification: Pathogenic for Tuberous sclerosis 2. Last evaluated: 2023-08-10. Review status: criteria provided, single submitter. Criteria: Invitae Variant Classification Sherloc (09022015). Collection method: clinical testing. Allele origin: germline.
Comment: ClinVar contains an entry for this variant (Variation ID: 2088858). For these reasons, this variant has been classified as Pathogenic. This variant has not been reported in the literature in individuals affected with TSC2-related conditions. This variant is not present in population databases (gnomAD no frequency). This sequence change creates a premature translational stop signal (p.Lys1473Argfs*3) in the TSC2 gene. It is expected to result in an absent or disrupted protein product. Loss-of-function variants in TSC2 are known to be pathogenic (PMID: 10205261, 17304050).

Literature cited by the submitters: PubMed 10205261; PubMed 17304050.

NM_000548.5(TSC2):c.4416del (p.Lys1473fs)

Gene: TSC2 (TSC complex subunit 2; plus strand). Cytogenetic location: 16p13.3.
Variant type: Deletion.
Coding change: c.4416del on transcript NM_000548.5 (MANE Select); coding-DNA position 4416, one base deleted (C; older notation c.4416delC).
Protein change: p.Lys1473fs; shifts the reading frame from lysine 1473.
Molecular consequence: frameshift variant.
Genome position (GRCh38, 1-based): chr16:2,084,638, C deleted. VCF-style (leftmost placement, unchanged base first): chr16-2084637-GC-G. GRCh37 (hg19) VCF-style: chr16-2134638-GC-G.
Other names: c.4215del, p.Lys1406fs (NM_001077183.3); c.4347del, p.Lys1450fs (NM_001114382.3); c.4107del, p.Lys1370fs (NM_001318827.2); c.4071del, p.Lys1358fs (NM_001318829.2); c.3684del, p.Lys1229fs (NM_001318831.2); c.4248del, p.Lys1417fs (NM_001318832.2); c.4218del, p.Lys1407fs (NM_001363528.2); c.4284del, p.Lys1429fs (NM_001370404.1); and 26 more; short protein forms K1406fs, K1407fs, K1450fs, K1358fs, K1429fs, K1370fs, K1417fs, K1229fs.
Identifiers: ClinVar variation 2088858 (VCV002088858.4), dbSNP rs2544285591, ClinGen allele CA2580090980.
Genomic context (GRCh38, chr16:2,084,637, plus strand): 5'-CGCCCAGTGGCCTCCGGCCCCGAGGTTACACCATCTCCGACTCGGCCCCATCACGCAGGG[GC>G]AAGAGAGTAGAGAGGGACGCCTTAAAGAGCAGAGCCACAGCCTCCAATGCAGAGAAAGTG-3'